The following is an entry in ClinVar:

NM_024334.3(TMEM43):c.298-253C>T

Gene: TMEM43 (transmembrane protein 43; plus strand). Cytogenetic location: 3p25.1.
Variant type: single nucleotide variant.
Coding change: c.298-253C>T on transcript NM_024334.3 (MANE Select); 253 bases into the intron before coding-DNA position 298, C replaced by T.
Molecular consequence: intron variant.
Genome position (GRCh38, 1-based): chr3:14,131,327, C>T. VCF-style: chr3-14131327-C-T. GRCh37 (hg19) VCF-style: chr3-14172827-C-T.
Identifiers: ClinVar variation 669015 (VCV000669015.1), dbSNP rs17038942, ClinGen allele CA15259522.

ClinVar aggregate classification (germline): Benign (1 of 4 stars; one submission).

Allele frequency attached by ClinVar (database versions not stated): 1000 Genomes Project 0.22764; 1000 Genomes Project 30x 0.23017; gnomAD 0.24849 and 0.24987; TOPMed 0.25263.
gnomAD v4.1: 37,728 of 152,216 alleles (25%); highest among the groups gnomAD compares: South Asian, 27%; 4,787 homozygotes.

Submission:

GeneDx
Classification: Benign. Last evaluated: 2018-06-18. Review status: criteria provided, single submitter. Criteria: GeneDx Variant Classification (06012015). Collection method: clinical testing. Allele origin: germline. Affected: yes.
Comment: This variant is considered likely benign or benign based on one or more of the following criteria: it is a conservative change, it occurs at a poorly conserved position in the protein, it is predicted to be benign by multiple in silico algorithms, and/or has population frequency not consistent with disease.